The following is an entry in ClinVar:

NM_182710.3(KAT5):c.982C>G (p.Arg328Gly)

Gene: KAT5 (lysine acetyltransferase 5; plus strand). Cytogenetic location: 11q13.1.
Variant type: single nucleotide variant.
Coding change: c.982C>G on transcript NM_182710.3 (MANE Select); coding-DNA position 982, C replaced by G.
Protein change: p.Arg328Gly; replaces arginine 328 with glycine.
Molecular consequence: missense variant.
Genome position (GRCh38, 1-based): chr11:65,714,863, C>G. VCF-style: chr11-65714863-C-G. GRCh37 (hg19) VCF-style: chr11-65482334-C-G.
Other names: c.826C>G, p.Arg276Gly (NM_001206833.2); c.883C>G, p.Arg295Gly (NM_006388.4); c.727C>G, p.Arg243Gly (NM_182709.3); short protein forms R243G, R276G, R295G, R328G.
Identifiers: ClinVar variation 3895677 (VCV003895677.1).

ClinVar aggregate classification (germline): Uncertain significance (1 of 4 stars; one submission).

Submission:

Women's Health and Genetics/Laboratory Corporation of America, LabCorp
Classification: Uncertain significance. Last evaluated: 2025-03-12. Review status: criteria provided, single submitter. Criteria: LabCorp Variant Classification Summary - May 2015. Collection method: clinical testing. Allele origin: germline.
Comment: Variant summary: KAT5 c.883C>G (p.Arg295Gly) results in a non-conservative amino acid change in the encoded protein sequence. Four of five in-silico tools predict a damaging effect of the variant on protein function. The variant was absent in 251468 control chromosomes. The available data on variant occurrences in the general population are insufficient to allow any conclusion about variant significance. To our knowledge, no occurrence of c.883C>G in individuals affected with Neurodevelopmental Disorder With Dysmorphic Facies, Sleep Disturbance, And Brain Abnormalities and no experimental evidence demonstrating its impact on protein function have been reported. No submitters have cited clinical-significance assessments for this variant to ClinVar. Based on the evidence outlined above, the variant was classified as uncertain significance.